The following is an entry in ClinVar:

ClinVar aggregate classification (germline): Likely pathogenic (1 of 4 stars; one submission).

Conditions:
Vascular malformation. Also called: Vascular malformations. Identifiers: MedGen C0158570, MONDO:0024291.

Submission:

Clinical Genomics Laboratory, Washington University in St. Louis
Classification: Likely pathogenic for Vascular malformation. Last evaluated: 2025-07-22. Review status: criteria provided, single submitter. Criteria: Leon-Quintero et al. (Clin Genet. 2025). Collection method: clinical testing. Allele origin: somatic. Affected: yes.
Comment: A PIK3R1 c.1698_1703dup (p.Lys567_Pro568dup) variant was identified at an allelic fraction consistent with somatic origin. This variant, to our knowledge, has not been reported in the medical literature and is absent from the general population (gnomAD v4.1.0), indicating it is not a common variant. It resides within the iSH2 domain, amino acids 420-600, of PIK3R1 that is defined as a critical functional domain (Gupta I, Gaykalova DA. PMID: 39197810). This variant is predicted to cause a change in the length of the protein due to an in-frame duplication of 2 amino acids in a non-repeat region. Based on available information and an internally developed protocol informed by the ACMG/AMP guidelines for variant interpretation and gene-specific practices from the ClinGen Criteria Specification Registry (Leon-Quintero FZ et al., PMID: 39434542), the PIK3R1 c.1698_1703dup (p.Lys567_Pro568dup) variant is classified as likely pathogenic.

NM_181523.3(PIK3R1):c.1698_1703dup (p.Pro568_Asp569insLysPro)

Gene: PIK3R1 (phosphoinositide-3-kinase regulatory subunit 1; plus strand). Cytogenetic location: 5q13.1.
Variant type: Duplication.
Coding change: c.1698_1703dup on transcript NM_181523.3 (MANE Select); coding-DNA positions 1698 to 1703, 6 bases duplicated (TAAACC; older notation c.1698_1703dupTAAACC).
Protein change: p.Pro568_Asp569insLysPro.
Molecular consequence: inframe insertion.
Genome position (GRCh38, 1-based): chr5:68,295,277-68,295,282, TAAACC duplicated. VCF-style (leftmost placement, unchanged base first): chr5-68295276-T-TTAAACC. GRCh37 (hg19) VCF-style: chr5-67591104-T-TTAAACC.
Other names: c.609_614dup, p.Pro205_Asp206insLysPro (NM_001242466.2); c.888_893dup, p.Pro298_Asp299insLysPro (NM_181504.4); c.798_803dup, p.Pro268_Asp269insLysPro (NM_181524.2).
Identifiers: ClinVar variation 4279986 (VCV004279986.1).